The following is an entry in ClinVar:

NM_000350.3(ABCA4):c.161-1G>C

Gene: ABCA4 (ATP binding cassette subfamily A member 4; minus strand). Cytogenetic location: 1p22.1.
Variant type: single nucleotide variant.
Coding change: c.161-1G>C on transcript NM_000350.3 (MANE Select); the canonical splice acceptor site of the intron before coding-DNA position 161, G replaced by C.
Molecular consequence: splice acceptor variant.
Genome position (GRCh38, 1-based): chr1:94,111,580, C>G on the plus strand (G>C on the coding strand, the complement: ABCA4 is on the minus strand). VCF-style: chr1-94111580-C-G. GRCh37 (hg19) VCF-style: chr1-94577136-C-G.
Identifiers: ClinVar variation 1456699 (VCV001456699.8), dbSNP rs1231942062, ClinGen allele CA341285647.
Genomic context (GRCh38, chr1:94,111,580, plus strand): 5'-AGATCCCCTGGAGCCACGGCAGCATTCCTGCTGAGGGCATCGCCTTGTTGGGGAAATGGC[C>G]TTTAAAACAGAAAATGAGGACAAGACGGGATTAGTCATGGAGACCAAGCAGGATGCAGAC-3'

ClinVar aggregate classification (germline): Pathogenic (1 of 4 stars; one submission).

Allele frequency attached by ClinVar (database versions not stated): gnomAD 0.00001.
gnomAD v4.1: 1 of 1,614,084 alleles (0.000062%); highest among the groups gnomAD compares: African/African-American, 0.0013%; no homozygotes.

Submission:

Labcorp Genetics (formerly Invitae), Labcorp
Classification: Pathogenic. Last evaluated: 2021-06-30. Review status: criteria provided, single submitter. Criteria: Invitae Variant Classification Sherloc (09022015). Collection method: clinical testing. Allele origin: germline.
Comment: Disruption of this splice site has been observed in individual(s) with Stargardt disease (PMID: 28559085, 29925512). In at least one individual the data is consistent with the variant being in trans (on the opposite chromosome) from a pathogenic variant. Algorithms developed to predict the effect of sequence changes on RNA splicing suggest that this variant may disrupt the consensus splice site, but this prediction has not been confirmed by published transcriptional studies. For these reasons, this variant has been classified as Pathogenic. This variant is not present in population databases (ExAC no frequency). This sequence change affects an acceptor splice site in intron 2 of the ABCA4 gene. It is expected to disrupt RNA splicing. Variants that disrupt the donor or acceptor splice site typically lead to a loss of protein function (PMID: 16199547), and loss-of-function variants in ABCA4 are known to be pathogenic (PMID: 10958761, 24938718, 25312043, 26780318).

Literature cited by the submitters: PubMed 28559085; PubMed 29925512; PubMed 16199547; PubMed 10958761; PubMed 24938718; PubMed 25312043; PubMed 26780318.